The following is an entry in ClinVar:

ClinVar aggregate classification (germline): Uncertain significance (1 of 4 stars; one submission).

Conditions:
Inborn genetic diseases. Identifiers: MedGen C0950123, MeSH D030342.

Allele frequency attached by ClinVar (database versions not stated): gnomAD exomes below 0.00001; ExAC 0.00001; gnomAD 0.00001; TOPMed 0.00003.
gnomAD v4.1: 3 of 1,613,644 alleles (0.00019%); highest among the groups gnomAD compares: African/African-American, 0.0027%; no homozygotes.

Submission:

Ambry Genetics
Classification: Uncertain significance for Inborn genetic diseases. Last evaluated: 2023-09-27. Review status: criteria provided, single submitter. Criteria: Ambry Variant Classification Scheme 2023. Collection method: clinical testing. Allele origin: germline.
Comment: The p.D1207V variant (also known as c.3620A>T), located in coding exon 27 of the LRRK2 gene, results from an A to T substitution at nucleotide position 3620. The aspartic acid at codon 1207 is replaced by valine, an amino acid with highly dissimilar properties. This amino acid position is conserved. In addition, this alteration is predicted to be tolerated by in silico analysis. Since supporting evidence is limited at this time, the clinical significance of this alteration remains unclear.

NM_198578.4(LRRK2):c.3620A>T (p.Asp1207Val)

Gene: LRRK2 (leucine rich repeat kinase 2; plus strand). Cytogenetic location: 12q12.
Variant type: single nucleotide variant.
Coding change: c.3620A>T on transcript NM_198578.4 (MANE Select); coding-DNA position 3620, A replaced by T.
Protein change: p.Asp1207Val; replaces aspartic acid 1207 with valine.
Molecular consequence: missense variant.
Genome position (GRCh38, 1-based): chr12:40,303,977, A>T. VCF-style: chr12-40303977-A-T. GRCh37 (hg19) VCF-style: chr12-40697779-A-T.
Other names: short protein forms D1207V.
Identifiers: ClinVar variation 1733321 (VCV001733321.2), dbSNP rs763220774, ClinGen allele CA6513966.
Genomic context (GRCh38, chr12:40,303,977, plus strand): 5'-TGGTTTATGTCTTTTCTGTGTATTGTTTTAGCTTGCGGTCTTTAGATATGAGCAGCAATG[A>T]TATTCAGTACCTACCAGGTCCCGCACACTGGAAATCTTTGAACTTAAGGGAACTCTTATT-3'
Protein context (NP_940980.4, residues 1197-1217): HLRSLDMSSN[Asp1207Val]IQYLPGPAHW